The following is an entry in ClinVar:

ClinVar aggregate classification (germline): Benign. Review status: criteria provided, multiple submitters, no conflicts (2 of 4 stars). 4 submissions from 4 submitters: Benign (4). Last evaluated 2023-11-12.

Conditions:
Familial hemophagocytic lymphohistiocytosis 3 (FHL3). Also called: UNC13D-Related Familial Hemophagocytic Lymphohistiocytosis (UNC13D-fHLH). Identifiers: Orphanet 540, MedGen C1837174, MONDO:0012146, OMIM 608898.

Allele frequency attached by ClinVar (database versions not stated): 1000 Genomes Project 0.16414; 1000 Genomes Project 30x 0.16630; ExAC 0.18560; TOPMed 0.19503; gnomAD 0.19507 and 0.19638; ESP Exome Variant Server 0.19826; gnomAD exomes 0.21727.

Submissions (4):

Unidad de Genómica Garrahan, Hospital de Pediatría Garrahan
Classification: Benign. Last evaluated: 2023-11-12. Review status: criteria provided, single submitter. Criteria: ACMG Guidelines, 2015. Collection method: clinical testing. Allele origin: germline. Affected: no. Observed: 31 variant alleles.
Comment: This variant is classified as Benign based on local population frequency. This variant was detected in 32% of patients studied by a panel of primary immunodeficiencies. Number of patients: 31. Only high quality variants are reported.

Genome-Nilou Lab
Classification: Benign for Familial hemophagocytic lymphohistiocytosis 3. Last evaluated: 2021-12-05. Review status: criteria provided, single submitter. Criteria: ACMG Guidelines, 2015. Collection method: clinical testing. Allele origin: germline. Affected: no.

Breakthrough Genomics
Classification: Benign. Review status: criteria provided, single submitter. Criteria: ACMG Guidelines, 2015. Collection method: not provided. Allele origin: germline. Inheritance: Autosomal recessive inheritance. Affected: yes.

PreventionGenetics, part of Exact Sciences
Classification: Benign. Review status: criteria provided, single submitter. Criteria: ACMG Guidelines, 2015. Collection method: clinical testing. Allele origin: germline.

NM_199242.3(UNC13D):c.2830+37C>G

Genes: UNC13D (unc-13 homolog D; minus strand), LOC112533672 (Sharpr-MPRA regulatory region 1193; plus strand). Cytogenetic location: 17q25.1.
Variant type: single nucleotide variant.
Coding change: c.2830+37C>G on transcript NM_199242.3 (MANE Select); 37 bases into the intron after coding-DNA position 2830, C replaced by G.
Molecular consequence: intron variant.
Genome position (GRCh38, 1-based): chr17:75,830,325, G>C on the plus strand (C>G on the coding strand, the complement: UNC13D is on the minus strand). VCF-style: chr17-75830325-G-C. GRCh37 (hg19) VCF-style: chr17-73826406-G-C.
Identifiers: ClinVar variation 263236 (VCV000263236.6), dbSNP rs2290769, ClinGen allele CA8772373.